The following is an entry in ClinVar:

ClinVar aggregate classification (germline): Benign. Review status: criteria provided, multiple submitters, no conflicts (2 of 4 stars). 3 submissions from 3 submitters: Benign (3). Last evaluated 2026-02-04.

Submissions (3):

Labcorp Genetics (formerly Invitae), Labcorp
Classification: Benign. Last evaluated: 2026-02-04. Review status: criteria provided, single submitter. Criteria: Invitae Variant Classification Sherloc (09022015). Collection method: clinical testing. Allele origin: germline.

Blueprint Genetics
Classification: Benign. Last evaluated: 2024-11-28. Review status: criteria provided, single submitter. Criteria: ACMG Guidelines, 2015. Collection method: clinical testing. Allele origin: germline.

Laboratory for Molecular Medicine, Mass General Brigham Personalized Medicine
Classification: Benign. Last evaluated: 2016-03-29. Review status: criteria provided, single submitter. Criteria: LMM Criteria. Collection method: clinical testing. Allele origin: germline.
Comment: Variant identified in a genome or exome case(s) and assessed due to predicted null impact of the variant or pathogenic assertions in the literature or databases. Disclaimer: This variant has not undergone full assessment. The following are preliminary notes: Frequency in 1000Genomes: 2175/2178=99.9%

NM_080669.6(SLC46A1):c.1226= (p.Ile409=)

Genes: SARM1 (sterile alpha and TIR motif containing 1; plus strand), SLC46A1 (solute carrier family 46 member 1; minus strand). Cytogenetic location: 17q11.2.
Variant type: Deletion.
Coding change: c.1226= on transcript NM_080669.6 (MANE Select); coding-DNA position 1226, no change from the reference sequence.
Protein change: p.Ile409=; no amino-acid change (isoleucine 409 retained).
Molecular consequence: no sequence alteration.
Genome position: GRCh38 VCF-style: chr17-28400706-A-A. GRCh37 (hg19) VCF-style: chr17-26727722-A-A.
Other names: c.1142=, p.Ile381= (NM_001242366.3); c.*4420= (NM_015077.4).
Identifiers: ClinVar variation 403460 (VCV000403460.13), dbSNP rs1555522165.
Genomic context (GRCh38, chr17:28,400,706, plus strand): 5'-CCCAGGAGGAAGGGGAACCCCTTCATAAAGTTCAGAGTGGCTGGGTAGAGTGAGTTGAAG[A=]TGCCGGAGGCCGTCAGCATGGCCAGGCTATTCACACAGGCCACAGCAGAAAAGAGAGCAC-3'
Protein context (NP_542400.2, residues 399-419): NSLAMLTASG[Ile409=]FNSLYPATLN